The following is an entry in ClinVar:

NM_133510.4(RAD51B):c.770dup (p.Asn257fs)

Gene: RAD51B (RAD51 paralog B; plus strand). Cytogenetic location: 14q24.1.
Variant type: Duplication.
Coding change: c.770dup on transcript NM_133510.4 (MANE Select); coding-DNA position 770, one base duplicated (A; older notation c.770dupA).
Protein change: p.Asn257fs; shifts the reading frame from asparagine 257.
Molecular consequence: frameshift variant.
Genome position (GRCh38, 1-based): chr14:68,291,897, A duplicated; the last of 2 consecutive A bases (chr14:68,291,896-68,291,897); duplicating either gives the same sequence. VCF-style (leftmost placement, unchanged base first): chr14-68291895-G-GA. GRCh37 (hg19) VCF-style: chr14-68758612-G-GA.
Other names: c.770dup, p.Asn257fs (NM_001321809.2, NM_001321810.2, NM_001321812.1 and 6 more transcripts); c.656dup, p.Asn219fs (NM_001321815.1); c.413dup, p.Asn138fs (NM_001321817.2); short protein forms N257fs, N219fs, N138fs.
Identifiers: ClinVar variation 5027753 (VCV005027753.1).

ClinVar aggregate classification (germline): Uncertain significance (1 of 4 stars; one submission).

Submission:

Ambry Genetics
Classification: Uncertain significance. Last evaluated: 2026-06-16. Review status: criteria provided, single submitter. Criteria: Ambry Variant Classification Scheme 2023. Collection method: clinical testing. Allele origin: germline.
Comment: The c.770dupA variant, located in coding exon 7 of the RAD51B gene, results from a duplication of A at nucleotide position 770, causing a translational frameshift with a predicted alternate stop codon (p.N257Kfs*22). This variant is expected to result in protein truncation or nonsense-mediated mRNA decay. However, loss of function has not been established as a mechanism of disease. Based on the available evidence, the clinical significance of this variant remains unclear.